The following is an entry in ClinVar:

NM_022437.3(ABCG8):c.729C>T (p.Leu243=)

Gene: ABCG8 (ATP binding cassette subfamily G member 8; plus strand). Cytogenetic location: 2p21.
Variant type: single nucleotide variant.
Coding change: c.729C>T on transcript NM_022437.3 (MANE Select); coding-DNA position 729, C replaced by T.
Protein change: p.Leu243=; no amino-acid change (leucine 243 retained).
Molecular consequence: synonymous variant.
Genome position (GRCh38, 1-based): chr2:43,852,633, C>T. VCF-style: chr2-43852633-C-T. GRCh37 (hg19) VCF-style: chr2-44079772-C-T.
Other names: c.729C>T, p.Leu243= (NM_001357321.2).
Identifiers: ClinVar variation 290973 (VCV000290973.22), dbSNP rs145482605, ClinGen allele CA1637158.

ClinVar aggregate classification (germline): Conflicting classifications of pathogenicity. Review status: criteria provided, conflicting classifications (1 of 4 stars). 6 submissions from 6 submitters: Uncertain significance (1); Likely benign (4). 1 of the submissions does not count toward it. Last evaluated 2026-01-11.

Conditions:
Cardiovascular phenotype. Identifiers: MedGen CN230736.
ABCG8-related disorder. Also called: ABCG8-related condition.

Allele frequency attached by ClinVar (database versions not stated): gnomAD 0.00034 and 0.00035; TOPMed 0.00036; 1000 Genomes Project 0.00040; 1000 Genomes Project 30x 0.00047; ExAC 0.00016; ESP Exome Variant Server 0.00031.
gnomAD v4.1: 120 of 1,614,152 alleles (0.0074%); highest among the groups gnomAD compares: African/African-American, 0.1%; no homozygotes.

Submissions (6):

Labcorp Genetics (formerly Invitae), Labcorp
Classification: Likely benign. Last evaluated: 2026-01-11. Review status: criteria provided, single submitter. Criteria: Invitae Variant Classification Sherloc (09022015). Collection method: clinical testing. Allele origin: germline.

Women's Health and Genetics/Laboratory Corporation of America, LabCorp
Classification: Likely benign. Last evaluated: 2023-08-07. Review status: criteria provided, single submitter. Criteria: LabCorp Variant Classification Summary - May 2015. Collection method: clinical testing. Allele origin: germline.

Blueprint Genetics
Classification: Likely benign. Last evaluated: 2022-07-17. Review status: criteria provided, single submitter. Criteria: ACMG Guidelines, 2015. Collection method: clinical testing. Allele origin: germline.

Ambry Genetics
Classification: Likely benign for Cardiovascular phenotype. Last evaluated: 2019-05-17. Review status: criteria provided, single submitter. Criteria: Ambry Variant Classification Scheme 2023. Collection method: clinical testing. Allele origin: germline.

Eurofins Ntd Llc (ga)
Classification: Uncertain significance. Last evaluated: 2018-02-15. Review status: criteria provided, single submitter. Criteria: EGL ClinVar v180209 classification definitions. Collection method: clinical testing. Allele origin: germline. Observed: 4 variant alleles, 4 heterozygotes.

PreventionGenetics, part of Exact Sciences
Classification: Likely benign for ABCG8-related condition. Last evaluated: 2021-04-07. Review status: no assertion criteria provided. Collection method: clinical testing. Allele origin: germline. Not counted in ClinVar's aggregate classification.
Comment: This variant is classified as likely benign based on ACMG/AMP sequence variant interpretation guidelines (Richards et al. 2015 PMID: 25741868, with internal and published modifications).